The following is an entry in ClinVar:

NM_001267550.2(TTN):c.11311+1856C>T

Gene: TTN (titin; minus strand). Cytogenetic location: 2q31.2.
Variant type: single nucleotide variant.
Coding change: c.11311+1856C>T on transcript NM_001267550.2 (MANE Select); 1856 bases into the intron after coding-DNA position 11311, C replaced by T.
Molecular consequence: intron variant. On other transcripts: missense variant (1).
Genome position (GRCh38, 1-based): chr2:178,751,268, G>A on the plus strand (C>T on the coding strand, the complement: TTN is on the minus strand). VCF-style: chr2-178751268-G-A. GRCh37 (hg19) VCF-style: chr2-179615995-G-A.
Other names: c.11132C>T, p.Thr3711Ile (NM_133379.5); c.10222+1856C>T (NM_003319.4); c.10798+1856C>T (NM_133437.4); c.10597+1856C>T (NM_133432.3); c.10360+1856C>T (NM_133378.4, NM_001256850.1); short protein forms T3711I.
Identifiers: ClinVar variation 4281010 (VCV004281010.8), dbSNP rs747399267.

ClinVar aggregate classification (germline): Conflicting classifications of pathogenicity. Review status: criteria provided, conflicting classifications (1 of 4 stars). 3 submissions from 3 submitters: Uncertain significance (1); Likely benign (2). Last evaluated 2026-03-27.

gnomAD v4.1: 30 of 1,609,446 alleles (0.0019%); highest among the groups gnomAD compares: African/African-American, 0.0027%; no homozygotes.

Submissions (3):

Molecular Diagnostic Laboratory for Inherited Cardiovascular Disease, Montreal Heart Institute
Classification: Likely benign. Last evaluated: 2026-03-27. Review status: criteria provided, single submitter. Criteria: ACMG Guidelines, 2015. Collection method: clinical testing. Allele origin: germline. Affected: no.

CeGaT Center for Human Genetics Tuebingen
Classification: Uncertain significance. Last evaluated: 2025-09-01. Review status: criteria provided, single submitter. Criteria: CeGaT Center For Human Genetics Tuebingen Variant Classification Criteria Version 2. Collection method: clinical testing. Allele origin: germline. Affected: yes. Observed: 1 variant allele.
Comment: TTN: PM2, BP4

Blueprint Genetics
Classification: Likely benign. Last evaluated: 2019-09-05. Review status: criteria provided, single submitter. Criteria: ACMG Guidelines, 2015. Collection method: clinical testing. Allele origin: germline.